The following is an entry in ClinVar:

NM_014317.5(PDSS1):c.1095G>C (p.Gln365His)

Gene: PDSS1 (decaprenyl diphosphate synthase subunit 1; plus strand). Cytogenetic location: 10p12.1.
Variant type: single nucleotide variant.
Coding change: c.1095G>C on transcript NM_014317.5 (MANE Select); coding-DNA position 1095, G replaced by C.
Protein change: p.Gln365His; replaces glutamine 365 with histidine.
Molecular consequence: missense variant.
Genome position (GRCh38, 1-based): chr10:26,742,565, G>C. VCF-style: chr10-26742565-G-C. GRCh37 (hg19) VCF-style: chr10-27031494-G-C.
Other names: p.Gln365His; c.904G>C, p.Val302Leu (NM_001321978.2); c.585G>C, p.Gln195His (NM_001321979.2); short protein forms Q365H, Q195H, V302L.
Identifiers: ClinVar variation 2265143 (VCV002265143.3), dbSNP rs1398074206, ClinGen allele CA376351264.

ClinVar aggregate classification (germline): Uncertain significance. Review status: criteria provided, multiple submitters, no conflicts (2 of 4 stars). 2 submissions from 2 submitters: Uncertain significance (2). Last evaluated 2025-09-19.

Conditions:
Inborn genetic diseases. Identifiers: MedGen C0950123, MeSH D030342.

Allele frequency attached by ClinVar (database versions not stated): gnomAD 0.00001; TOPMed below 0.00001.
gnomAD v4.1: 6 of 1,604,482 alleles (0.00037%); highest among the groups gnomAD compares: Non-Finnish European, 0.00043%; no homozygotes.

Submissions (2):

Mayo Clinic Laboratories, Mayo Clinic
Classification: Uncertain significance. Last evaluated: 2025-09-19. Review status: criteria provided, single submitter. Criteria: ACMG Guidelines, 2015. Collection method: clinical testing. Allele origin: germline. Observed: 1 variant allele.
Comment: BP4, PM2_supporting

Ambry Genetics
Classification: Uncertain significance for Inborn genetic diseases. Last evaluated: 2021-12-06. Review status: criteria provided, single submitter. Criteria: Ambry Variant Classification Scheme 2023. Collection method: clinical testing. Allele origin: germline.